The following is an entry in ClinVar:

ClinVar aggregate classification (germline): Uncertain significance (1 of 4 stars; one submission).

Conditions:
Familial adenomatous polyposis 1 (FAP1). Also called: FAMILIAL ADENOMATOUS POLYPOSIS 1, ATTENUATED; POLYPOSIS, ADENOMATOUS INTESTINAL. Identifiers: MedGen C2713442, MONDO:0021056, OMIM 175100. Disease mechanism: loss of function.

Submission:

Labcorp Genetics (formerly Invitae), Labcorp
Classification: Uncertain significance for Familial adenomatous polyposis 1. Last evaluated: 2024-05-31. Review status: criteria provided, single submitter. Criteria: Invitae Variant Classification Sherloc (09022015). Collection method: clinical testing. Allele origin: germline.
Comment: This sequence change replaces proline, which is neutral and non-polar, with arginine, which is basic and polar, at codon 395 of the APC protein (p.Pro395Arg). This variant is not present in population databases (gnomAD no frequency). This variant has not been reported in the literature in individuals affected with APC-related conditions. Advanced modeling of protein sequence and biophysical properties (such as structural, functional, and spatial information, amino acid conservation, physicochemical variation, residue mobility, and thermodynamic stability) performed at Invitae indicates that this missense variant is not expected to disrupt APC protein function with a negative predictive value of 95%. In summary, the available evidence is currently insufficient to determine the role of this variant in disease. Therefore, it has been classified as a Variant of Uncertain Significance.

NM_000038.6(APC):c.1184C>G (p.Pro395Arg)

Gene: APC (APC regulator of Wnt signaling pathway; plus strand). Cytogenetic location: 5q22.2.
Variant type: single nucleotide variant.
Coding change: c.1184C>G on transcript NM_000038.6 (MANE Select); coding-DNA position 1184, C replaced by G.
Protein change: p.Pro395Arg; replaces proline 395 with arginine.
Molecular consequence: missense variant. On other transcripts: non-coding transcript variant (2), intron variant (15).
Genome position (GRCh38, 1-based): chr5:112,819,216, C>G. VCF-style: chr5-112819216-C-G. GRCh37 (hg19) VCF-style: chr5-112154913-C-G.
Other names: c.335C>G, p.Pro112Arg (NM_001354906.2, NM_001407470.1); c.1214C>G, p.Pro405Arg (NM_001407446.1, NM_001354897.2); c.1184C>G, p.Pro395Arg (NM_001407447.1, NM_001407448.1, NM_001407449.1 and 4 more transcripts); c.1109C>G, p.Pro370Arg (NM_001407451.1, NM_001354898.2); c.1100C>G, p.Pro367Arg (NM_001407452.1, NM_001354899.2); c.1007C>G, p.Pro336Arg (NM_001407453.1, NM_001354900.2, NM_001354901.2); c.85-53C>G (NM_001407472.1, NM_001407471.1); c.850-53C>G (NM_001407469.1, NM_001407467.1); and 5 more; short protein forms P395R, P367R, P377R, P336R, P370R, P112R, P405R.
Identifiers: ClinVar variation 3635405 (VCV003635405.2).
Genomic context (GRCh38, chr5:112,819,216, plus strand): 5'-GCAGTAAAGAGGCTCGGGCCAGGGCCAGTGCAGCACTCCACAACATCATTCACTCACAGC[C>G]TGATGACAAGAGAGGCAGGCGTGAAATCCGAGTCCTTCATCTTTTGGAACAGATACGCGC-3'
Protein context (NP_000029.2, residues 385-405): AALHNIIHSQ[Pro395Arg]DDKRGRREIR